The following is an entry in ClinVar:

ClinVar aggregate classification (germline): Conflicting classifications of pathogenicity. Review status: criteria provided, conflicting classifications (1 of 4 stars). 2 submissions from 2 submitters: Uncertain significance (1); Likely benign (1). Last evaluated 2025-09-22.

Conditions:
Baller-Gerold syndrome (BGS). Also called: CRANIOSYNOSTOSIS WITH RADIAL DEFECTS. Identifiers: Orphanet 1225, MedGen C0265308, MONDO:0009039, OMIM 218600.

Allele frequency attached by ClinVar (database versions not stated): gnomAD 0.00001; TOPMed 0.00001; ExAC 0.00003.
gnomAD v4.1: 47 of 1,611,976 alleles (0.0029%); highest among the groups gnomAD compares: Non-Finnish European, 0.0034%; no homozygotes.

Submissions (2):

Labcorp Genetics (formerly Invitae), Labcorp
Classification: Uncertain significance for Baller-Gerold syndrome. Last evaluated: 2025-09-22. Review status: criteria provided, single submitter. Criteria: Invitae Variant Classification Sherloc (09022015). Collection method: clinical testing. Allele origin: germline.
Comment: This sequence change replaces arginine, which is basic and polar, with histidine, which is basic and polar, at codon 1058 of the RECQL4 protein (p.Arg1058His). This variant is present in population databases (rs778819494, gnomAD 0.003%). This variant has not been reported in the literature in individuals affected with RECQL4-related conditions. ClinVar contains an entry for this variant (Variation ID: 459463). Invitae Evidence Modeling of protein sequence and biophysical properties (such as structural, functional, and spatial information, amino acid conservation, physicochemical variation, residue mobility, and thermodynamic stability) indicates that this missense variant is not expected to disrupt RECQL4 protein function with a negative predictive value of 80%. In summary, the available evidence is currently insufficient to determine the role of this variant in disease. Therefore, it has been classified as a Variant of Uncertain Significance.

Blueprint Genetics
Classification: Likely benign. Last evaluated: 2024-11-22. Review status: criteria provided, single submitter. Criteria: ACMG Guidelines, 2015. Collection method: clinical testing. Allele origin: germline.

NM_004260.4(RECQL4):c.3173G>A (p.Arg1058His)

Gene: RECQL4 (RecQ like helicase 4; minus strand). Cytogenetic location: 8q24.3.
Variant type: single nucleotide variant.
Coding change: c.3173G>A on transcript NM_004260.4 (MANE Select); coding-DNA position 3173, G replaced by A.
Protein change: p.Arg1058His; replaces arginine 1058 with histidine.
Molecular consequence: missense variant.
Genome position (GRCh38, 1-based): chr8:144,512,207, C>T on the plus strand (G>A on the coding strand, the complement: RECQL4 is on the minus strand). VCF-style: chr8-144512207-C-T. GRCh37 (hg19) VCF-style: chr8-145737590-C-T.
Other names: short protein forms R1058H.
Identifiers: ClinVar variation 459463 (VCV000459463.9), dbSNP rs778819494, ClinGen allele CA4947899.